The following is an entry in ClinVar:

ClinVar aggregate classification (germline): Uncertain significance. Review status: criteria provided, multiple submitters, no conflicts (2 of 4 stars). 2 submissions from 2 submitters: Uncertain significance (2). Last evaluated 2025-08-12.

Conditions:
Inborn genetic diseases. Identifiers: MedGen C0950123, MeSH D030342.

Allele frequency attached by ClinVar (database versions not stated): gnomAD exomes below 0.00001; gnomAD 0.00001.
gnomAD v4.1: 7 of 1,609,898 alleles (0.00043%); highest among the groups gnomAD compares: Admixed American, 0.0017%; no homozygotes.

Submissions (2):

Ambry Genetics
Classification: Uncertain significance for Inborn genetic diseases. Last evaluated: 2025-08-12. Review status: criteria provided, single submitter. Criteria: Ambry Variant Classification Scheme 2023. Collection method: clinical testing. Allele origin: germline.

Labcorp Genetics (formerly Invitae), Labcorp
Classification: Uncertain significance. Last evaluated: 2022-11-08. Review status: criteria provided, single submitter. Criteria: Invitae Variant Classification Sherloc (09022015). Collection method: clinical testing. Allele origin: germline.
Comment: This variant is not present in population databases (gnomAD no frequency). In summary, the available evidence is currently insufficient to determine the role of this variant in disease. Therefore, it has been classified as a Variant of Uncertain Significance. Algorithms developed to predict the effect of missense changes on protein structure and function output the following: SIFT: "Tolerated"; PolyPhen-2: "Benign"; Align-GVGD: "Class C0". The leucine amino acid residue is found in multiple mammalian species, which suggests that this missense change does not adversely affect protein function. ClinVar contains an entry for this variant (Variation ID: 1400675). This variant has not been reported in the literature in individuals affected with SPEG-related conditions. This sequence change replaces proline, which is neutral and non-polar, with leucine, which is neutral and non-polar, at codon 1913 of the SPEG protein (p.Pro1913Leu).

NM_005876.5(SPEG):c.5738C>T (p.Pro1913Leu)

Genes: ASIC4-AS1 (ASIC4 antisense RNA 1; minus strand), SPEG (striated muscle enriched protein kinase; plus strand). Cytogenetic location: 2q35.
Variant type: single nucleotide variant.
Coding change: c.5738C>T on transcript NM_005876.5 (MANE Select); coding-DNA position 5738, C replaced by T.
Protein change: p.Pro1913Leu; replaces proline 1913 with leucine.
Molecular consequence: missense variant.
Genome position (GRCh38, 1-based): chr2:219,483,201, C>T. VCF-style: chr2-219483201-C-T. GRCh37 (hg19) VCF-style: chr2-220347923-C-T.
Other names: c.5738C>T (NM_005876.4); short protein forms P1913L.
Identifiers: ClinVar variation 1400675 (VCV001400675.7), dbSNP rs1693030618, ClinGen allele CA350693270.